The following is an entry in ClinVar:

ClinVar aggregate classification (germline): Conflicting classifications of pathogenicity. Review status: criteria provided, conflicting classifications (1 of 4 stars). 2 submissions from 2 submitters: Uncertain significance (1); Likely benign (1). Last evaluated 2025-05-21.

Allele frequency attached by ClinVar (database versions not stated): gnomAD 0.00002 and 0.00015; TOPMed 0.00003; ExAC 0.00058; 1000 Genomes Project 30x 0.00078; 1000 Genomes Project 0.00080.

Submissions (2):

Labcorp Genetics (formerly Invitae), Labcorp
Classification: Likely benign. Last evaluated: 2025-05-21. Review status: criteria provided, single submitter. Criteria: Invitae Variant Classification Sherloc (09022015). Collection method: clinical testing. Allele origin: germline.

Women's Health and Genetics/Laboratory Corporation of America, LabCorp
Classification: Uncertain significance. Last evaluated: 2024-02-23. Review status: criteria provided, single submitter. Criteria: LabCorp Variant Classification Summary - May 2015. Collection method: clinical testing. Allele origin: germline.
Comment: Variant summary: GP6 c.748A>C (p.Ser250Arg) results in a non-conservative amino acid change in the encoded protein sequence. Four of five in-silico tools predict a benign effect of the variant on protein function. The variant allele was found at a frequency of 0.00056 in 249042 control chromosomes in the gnomAD database, including 1 homozygotes. To our knowledge, no occurrence of c.748A>C in individuals affected with Platelet-Type Bleeding Disorder 11 and no experimental evidence demonstrating its impact on protein function have been reported. ClinVar contains an entry for this variant (Variation ID: 737240). Based on the evidence outlined above, the variant was classified as uncertain significance.

NM_016363.5(GP6):c.748A>C (p.Ser250Arg)

Gene: GP6 (glycoprotein VI platelet; minus strand). Cytogenetic location: 19q13.42.
Variant type: single nucleotide variant.
Coding change: c.748A>C on transcript NM_016363.5 (MANE Select); coding-DNA position 748, A replaced by C.
Protein change: p.Ser250Arg; replaces serine 250 with arginine.
Molecular consequence: missense variant.
Genome position (GRCh38, 1-based): chr19:55,015,710, T>G on the plus strand (A>C on the coding strand, the complement: GP6 is on the minus strand). VCF-style: chr19-55015710-T-G. GRCh37 (hg19) VCF-style: chr19-55527078-T-G.
Other names: c.748A>C, p.Ser250Arg (NM_001083899.2); c.694A>C, p.Ser232Arg (NM_001256017.2); short protein forms S232R, S250R.
Identifiers: ClinVar variation 737240 (VCV000737240.8), dbSNP rs202044825, ClinGen allele CA310122299.